The following is an entry in ClinVar:

NM_000053.4(ATP7B):c.2492T>C (p.Val831Ala)

Gene: ATP7B (ATPase copper transporting beta; minus strand). Cytogenetic location: 13q14.3.
Variant type: single nucleotide variant.
Coding change: c.2492T>C on transcript NM_000053.4 (MANE Select); coding-DNA position 2492, T replaced by C.
Protein change: p.Val831Ala; replaces valine 831 with alanine.
Molecular consequence: missense variant. On other transcripts: intron variant (1).
Genome position (GRCh38, 1-based): chr13:51,950,355, A>G on the plus strand (T>C on the coding strand, the complement: ATP7B is on the minus strand). VCF-style: chr13-51950355-A-G. GRCh37 (hg19) VCF-style: chr13-52524491-A-G.
Other names: c.2006T>C, p.Val669Ala (NM_001005918.3, NM_001406546.1, NM_001406541.1 and 1 more transcripts); c.2159T>C, p.Val720Ala (NM_001243182.2); c.2258T>C, p.Val753Ala (NM_001330578.2, NM_001406527.1, NM_001406528.1 and 2 more transcripts); c.2240T>C, p.Val747Ala (NM_001330579.2, NM_001406531.1, NM_001406532.1 and 1 more transcripts); c.2492T>C, p.Val831Ala (NM_001406511.1, NM_001406512.1, NM_001406513.1 and 7 more transcripts); c.2459T>C, p.Val820Ala (NM_001406514.1); c.2396T>C, p.Val799Ala (NM_001406517.1, NM_001406518.1); c.2348T>C, p.Val783Ala (NM_001406520.1, NM_001406521.1, NM_001406522.1 and 1 more transcripts); and 8 more; short protein forms V615A, V637A, V669A, V688A, V715A, V720A, V721A, V747A.
Identifiers: ClinVar variation 3073858 (VCV003073858.1), dbSNP rs2547674150, ClinGen allele CA388016605.

ClinVar aggregate classification (germline): Uncertain significance (1 of 4 stars; one submission).

Conditions:
Wilson disease (WND). Also called: Wilson's disease. Identifiers: Orphanet 905, MedGen C0019202, MONDO:0010200, OMIM 277900. Disease mechanism: loss of function.

Allele frequency attached by ClinVar (database versions not stated): gnomAD exomes below 0.00001.

Submission:

All of Us Research Program, National Institutes of Health
Classification: Uncertain significance for Wilson disease. Last evaluated: 2023-10-06. Review status: criteria provided, single submitter. Criteria: ACMG Guidelines, 2015. Collection method: clinical testing. Allele origin: germline. Inheritance: Autosomal recessive inheritance. Observed: 1 variant allele, 1 heterozygote.
Comment: This missense variant replaces valine with alanine at codon 831 of the ATP7B protein. Computational prediction suggests that this variant may have deleterious impact on protein structure and function (internally defined REVEL score threshold >= 0.7, PMID: 27666373). To our knowledge, functional studies have not been reported for this variant. This variant has not been reported in individuals affected with ATP7B-related disorders in the literature. This variant has not been identified in the general population by the Genome Aggregation Database (gnomAD). The available evidence is insufficient to determine the role of this variant in disease conclusively. Therefore, this variant is classified as a Variant of Uncertain Significance.

This study involves interpretation of variants in research participants for the purpose of population health screening. Participant phenotype was not available at the time of variant classification. Additional details can be found in publication PMID: 35346344, PMCID: PMC8962531